The following is an entry in ClinVar:

ClinVar aggregate classification (germline): Conflicting classifications of pathogenicity. Review status: criteria provided, conflicting classifications (1 of 4 stars). 7 submissions from 7 submitters: Uncertain significance (6); Likely benign (1). Last evaluated 2026-01-18.

Conditions:
Dilated cardiomyopathy 1AA (CMD1AA). Also called: CARDIOMYOPATHY, DILATED, 1AA, WITH OR WITHOUT LEFT VENTRICULAR NONCOMPACTION; CARDIOMYOPATHY, FAMILIAL HYPERTROPHIC, 23, WITH OR WITHOUT LEFT VENTRICULAR NONCOMPACTION; Cardiomyopathy, dilated, 1AA, with or without LVNC. Identifiers: Orphanet 154, MedGen C2677338, MONDO:0012808, OMIM 612158.
Myopathy, congenital, with structured cores and z-line abnormalities. Also called: MULTIPLE STRUCTURED CORE DISEASE; CONGENITAL MYOPATHY 8. Identifiers: MedGen C5231445, MONDO:0032852, OMIM 618654.
Myopathy, distal, 6, adult-onset, autosomal dominant. Identifiers: MedGen C5203349, MONDO:0032853, OMIM 618655.
Primary familial hypertrophic cardiomyopathy (HCM). Identifiers: Orphanet 99739, MedGen C0949658, MeSH D024741, MONDO:0024573. Inheritance: Various modes of inheritance.

Allele frequency attached by ClinVar (database versions not stated): gnomAD exomes 0.00001 and 0.00007; ExAC 0.00002; TOPMed 0.00004; gnomAD 0.00006; ESP Exome Variant Server 0.00008.
gnomAD v4.1: 114 of 1,613,964 alleles (0.0071%); highest among the groups gnomAD compares: Non-Finnish European, 0.0091%; no homozygotes.

Submissions (7):

Labcorp Genetics (formerly Invitae), Labcorp
Classification: Uncertain significance for Primary familial hypertrophic cardiomyopathy; Dilated cardiomyopathy 1AA. Last evaluated: 2026-01-18. Review status: criteria provided, single submitter. Criteria: Invitae Variant Classification Sherloc (09022015). Collection method: clinical testing. Allele origin: germline.
Comment: This sequence change replaces histidine, which is basic and polar, with tyrosine, which is neutral and polar, at codon 775 of the ACTN2 protein (p.His775Tyr). This variant is present in population databases (rs370677725, gnomAD 0.003%). This missense change has been observed in individual(s) with dilated cardiomyopathy/ hypertrophic cardiomyopathy (PMID: 20474083, 38456273). ClinVar contains an entry for this variant (Variation ID: 43926). Invitae Evidence Modeling of protein sequence and biophysical properties (such as structural, functional, and spatial information, amino acid conservation, physicochemical variation, residue mobility, and thermodynamic stability) indicates that this missense variant is not expected to disrupt ACTN2 protein function with a negative predictive value of 80%. In summary, the available evidence is currently insufficient to determine the role of this variant in disease. Therefore, it has been classified as a Variant of Uncertain Significance.

ARUP Laboratories, Molecular Genetics and Genomics, ARUP Laboratories
Classification: Uncertain significance. Last evaluated: 2025-03-05. Review status: criteria provided, single submitter. Criteria: ARUP Molecular Germline Variant Investigation Process 2024. Collection method: clinical testing. Allele origin: germline.
Comment: The ACTN2 c.2323C>T; p.His775Tyr variant (rs370677725, ClinVar Variation ID 43926) is reported in the literature in one individual affected with dilated cardiomyopathy (Zimmerman 2010). This variant is only observed on three alleles in the Genome Aggregation Database (v2.1.1), indicating it is not a common polymorphism. Computational analyses are uncertain whether this variant is neutral or deleterious (REVEL: 0.377). Due to limited information, the clinical significance of this variant is uncertain at this time. References: Zimmerman RS et al. A novel custom resequencing array for dilated cardiomyopathy. Genet Med. 2010 May;12(5):268-78. PMID: 20474083.

Mayo Clinic Laboratories, Mayo Clinic
Classification: Uncertain significance. Last evaluated: 2025-02-06. Review status: criteria provided, single submitter. Criteria: ACMG Guidelines, 2015. Collection method: clinical testing. Allele origin: germline. Observed: 1 variant allele.

Blueprint Genetics
Classification: Likely benign. Last evaluated: 2024-09-19. Review status: criteria provided, single submitter. Criteria: ACMG Guidelines, 2015. Collection method: clinical testing. Allele origin: germline.

Revvity Omics, Revvity
Classification: Uncertain significance. Last evaluated: 2024-08-13. Review status: criteria provided, single submitter. Criteria: ACMG Guidelines, 2015. Collection method: clinical testing. Allele origin: germline.

Fulgent Genetics
Classification: Uncertain significance for Dilated cardiomyopathy 1AA; Myopathy, congenital, with structured cores and z-line abnormalities; Myopathy, distal, 6, adult-onset, autosomal dominant. Last evaluated: 2021-08-13. Review status: criteria provided, single submitter. Criteria: ACMG Guidelines, 2015. Collection method: clinical testing. Allele origin: unknown.

Laboratory for Molecular Medicine, Mass General Brigham Personalized Medicine
Classification: Uncertain significance. Last evaluated: 2015-11-19. Review status: criteria provided, single submitter. Criteria: LMM Criteria. Collection method: clinical testing. Allele origin: germline. Observed: 5 variant alleles.
Comment: It has been identified in 3/66738 Eur opean chromosomes by the Exome Aggregation Consortium (ExAC; dbSNP rs370677725). Computational prediction tools and conservation analysis do not provide strong support for or against an impact to the protein. In summary, the clinical significance of the p.His775Tyr variant is uncertain.

Literature cited by the submitters: PubMed 20474083 (cited by 3 submitters); PubMed 38456273 (cited by Labcorp Genetics (formerly Invitae), Labcorp); PubMed 23299917 (cited by Mayo Clinic Laboratories, Mayo Clinic and Laboratory for Molecular Medicine, Mass General Brigham Personalized Medicine).

NM_001103.4(ACTN2):c.2323C>T (p.His775Tyr)

Gene: ACTN2 (actinin alpha 2; plus strand). Cytogenetic location: 1q43.
Variant type: single nucleotide variant.
Coding change: c.2323C>T on transcript NM_001103.4 (MANE Select); coding-DNA position 2323, C replaced by T.
Protein change: p.His775Tyr; replaces histidine 775 with tyrosine.
Molecular consequence: missense variant.
Genome position (GRCh38, 1-based): chr1:236,759,745, C>T. VCF-style: chr1-236759745-C-T. GRCh37 (hg19) VCF-style: chr1-236923045-C-T.
Other names: c.2323C>T, p.His775Tyr (NM_001278343.2); c.1699C>T, p.His567Tyr (NM_001278344.2); short protein forms H775Y, H567Y.
Identifiers: ClinVar variation 43926 (VCV000043926.18), dbSNP rs370677725, ClinGen allele CA133177.